The following is an entry in ClinVar:

ClinVar aggregate classification (germline): Pathogenic (1 of 4 stars; one submission).

Conditions:
Finnish congenital nephrotic syndrome (NPHS1). Also called: NEPHROTIC SYNDROME, TYPE 1. Identifiers: Orphanet 839, MedGen C0403399, MONDO:0009732, OMIM 256300.

Submission:

Myriad Genetics, Inc.
Classification: Pathogenic for Finnish congenital nephrotic syndrome. Last evaluated: 2026-07-15. Review status: criteria provided, single submitter. Criteria: Myriad Autosomal Dominant, Autosomal Recessive and X-Linked Classification Criteria (2023). Collection method: clinical testing. Allele origin: unknown.
Comment: NM_004646.3(NPHS1):c.138_139dupGG(A47Gfs*82) is expected to be pathogenic in the context of nephrotic syndrome, NPHS1-related. This variant is predicted to lead to an abnormal or absent protein product due to the creation of a premature termination codon in NPHS1, a gene where loss-of-function variants are known to be pathogenic. Please note: this variant was assessed in the context of healthy population screening.

NM_004646.4(NPHS1):c.138_139dup (p.Ala47fs)

Genes: KIRREL2 (kirre like nephrin family adhesion molecule 2; plus strand), NPHS1 (NPHS1 adhesion molecule, nephrin; minus strand). Cytogenetic location: 19q13.12.
Variant type: Duplication.
Coding change: c.138_139dup on transcript NM_004646.4 (MANE Select); coding-DNA positions 138 to 139, 2 bases duplicated (GG; older notation c.138_139dupGG).
Protein change: p.Ala47fs; shifts the reading frame from alanine 47.
Molecular consequence: frameshift variant.
Genome position (GRCh38, 1-based): chr19:35,851,592-35,851,593, CC duplicated on the plus strand (GG on the coding strand, the reverse complement: NPHS1 is on the minus strand); duplicating any 2 consecutive bases within chr19:35,851,592-35,851,596 gives the same sequence; the c. name uses the placement nearest the transcript's 3' end. VCF-style (leftmost placement, unchanged base first): chr19-35851591-G-GCC. GRCh37 (hg19) VCF-style: chr19-36342493-G-GCC.
Other names: short protein forms A47fs.
Identifiers: ClinVar variation 5016130 (VCV005016130.1).
Genomic context (GRCh38, chr19:35,851,591, plus strand): 5'-TCTTTGGCCCATTGCACCGCACTGCCAGGGGTGCTGACCCCACAACGCAGCTCCACTGAG[G>GCC]CCCCCTCCACCACCGTCAGGTTTTCAGGCAGGGCCCAGAAGCCCCGGGGAACGGAGGCAG-3'